The following is an entry in ClinVar:

ClinVar aggregate classification (germline): Uncertain significance (1 of 4 stars; one submission).

Submission:

Labcorp Genetics (formerly Invitae), Labcorp
Classification: Uncertain significance. Last evaluated: 2021-11-15. Review status: criteria provided, single submitter. Criteria: Invitae Variant Classification Sherloc (09022015). Collection method: clinical testing. Allele origin: germline.
Comment: In summary, the available evidence is currently insufficient to determine the role of this variant in disease. Therefore, it has been classified as a Variant of Uncertain Significance. Algorithms developed to predict the effect of missense changes on protein structure and function are either unavailable or do not agree on the potential impact of this missense change (SIFT: "Not Available"; PolyPhen-2: "Probably Damaging"; Align-GVGD: "Not Available"). This variant has not been reported in the literature in individuals affected with TRAPPC9-related conditions. This variant is not present in population databases (gnomAD no frequency). This sequence change replaces phenylalanine, which is neutral and non-polar, with isoleucine, which is neutral and non-polar, at codon 1232 of the TRAPPC9 protein (p.Phe1232Ile).

NM_001160372.4(TRAPPC9):c.3400T>A (p.Phe1134Ile)

Gene: TRAPPC9 (trafficking protein particle complex subunit 9; minus strand). Cytogenetic location: 8q24.3.
Variant type: single nucleotide variant.
Coding change: c.3400T>A on transcript NM_001160372.4 (MANE Select); coding-DNA position 3400, T replaced by A.
Protein change: p.Phe1134Ile; replaces phenylalanine 1134 with isoleucine.
Molecular consequence: missense variant. On other transcripts: non-coding transcript variant (1).
Genome position (GRCh38, 1-based): chr8:139,731,108, A>T on the plus strand (T>A on the coding strand, the complement: TRAPPC9 is on the minus strand). VCF-style: chr8-139731108-A-T. GRCh37 (hg19) VCF-style: chr8-140743351-A-T.
Other names: c.3400T>A, p.Phe1134Ile (NM_031466.8); c.3373T>A, p.Phe1125Ile (NM_001321646.2); c.3421T>A, p.Phe1141Ile (NM_001374682.1); c.3289T>A, p.Phe1097Ile (NM_001374683.1); c.3256T>A, p.Phe1086Ile (NM_001374684.1); short protein forms F1086I, F1097I, F1141I, F1125I, F1134I.
Identifiers: ClinVar variation 1489295 (VCV001489295.6), dbSNP rs2129921788, ClinGen allele CA372732390.